The following is an entry in ClinVar:

NM_032447.5(FBN3):c.3659G>A (p.Arg1220His)

Gene: FBN3 (fibrillin 3; minus strand). Cytogenetic location: 19p13.2.
Variant type: single nucleotide variant.
Coding change: c.3659G>A on transcript NM_032447.5 (MANE Select); coding-DNA position 3659, G replaced by A.
Protein change: p.Arg1220His; replaces arginine 1220 with histidine.
Molecular consequence: missense variant.
Genome position (GRCh38, 1-based): chr19:8,116,727, C>T on the plus strand (G>A on the coding strand, the complement: FBN3 is on the minus strand). VCF-style: chr19-8116727-C-T. GRCh37 (hg19) VCF-style: chr19-8181611-C-T.
Other names: c.3659G>A, p.Arg1220His (NM_001321431.2); c.3659G>A (NM_032447.3); short protein forms R1220H.
Identifiers: ClinVar variation 2160242 (VCV002160242.5), dbSNP rs780864045, ClinGen allele CA9152371.

ClinVar aggregate classification (germline): Uncertain significance. Review status: criteria provided, multiple submitters, no conflicts (2 of 4 stars). 2 submissions from 2 submitters: Uncertain significance (2). Last evaluated 2024-03-30.

Allele frequency attached by ClinVar (database versions not stated): ExAC 0.00006; gnomAD 0.00007; TOPMed 0.00009; gnomAD exomes 0.00014.
gnomAD v4.1: 229 of 1,613,936 alleles (0.014%); highest among the groups gnomAD compares: Non-Finnish European, 0.017%; 1 homozygote.

Submissions (2):

Labcorp Genetics (formerly Invitae), Labcorp
Classification: Uncertain significance. Last evaluated: 2024-03-30. Review status: criteria provided, single submitter. Criteria: Invitae Variant Classification Sherloc (09022015). Collection method: clinical testing. Allele origin: germline.
Comment: This sequence change replaces arginine, which is basic and polar, with histidine, which is basic and polar, at codon 1220 of the FBN3 protein (p.Arg1220His). This variant is present in population databases (rs780864045, gnomAD 0.01%). This variant has not been reported in the literature in individuals affected with FBN3-related conditions. ClinVar contains an entry for this variant (Variation ID: 2160242). Advanced modeling of protein sequence and biophysical properties (such as structural, functional, and spatial information, amino acid conservation, physicochemical variation, residue mobility, and thermodynamic stability) performed at Invitae indicates that this missense variant is not expected to disrupt FBN3 protein function with a negative predictive value of 80%. In summary, the available evidence is currently insufficient to determine the role of this variant in disease. Therefore, it has been classified as a Variant of Uncertain Significance.

Ambry Genetics
Classification: Uncertain significance. Last evaluated: 2021-09-30. Review status: criteria provided, single submitter. Criteria: Ambry Variant Classification Scheme 2023. Collection method: clinical testing. Allele origin: germline.